The following is an entry in ClinVar:

NM_182961.4(SYNE1):c.24642+3A>G

Gene: SYNE1 (spectrin repeat containing nuclear envelope protein 1; minus strand). Cytogenetic location: 6q25.2.
Variant type: single nucleotide variant.
Coding change: c.24642+3A>G on transcript NM_182961.4 (MANE Select); 3 bases into the intron after coding-DNA position 24642, A replaced by G.
Molecular consequence: intron variant.
Genome position (GRCh38, 1-based): chr6:152,149,474, T>C on the plus strand (A>G on the coding strand, the complement: SYNE1 is on the minus strand). VCF-style: chr6-152149474-T-C. GRCh37 (hg19) VCF-style: chr6-152470609-T-C.
Other names: c.24429+3A>G (NM_033071.5, NM_033071.3); c.1248+3A>G (NM_001347701.2); c.1107+3A>G (NM_001347702.2).
Identifiers: ClinVar variation 283627 (VCV000283627.18), dbSNP rs117346210, ClinGen allele CA4053124.
Genomic context (GRCh38, chr6:152,149,474, plus strand): 5'-CCAATCCCACACGACTTATTCTCTTTAGATTTAATGACAACTAAGAAAATCAATGTTACA[T>C]ACAGGCAGGCGGATCAGTTTCTTATGGTATCTTTCCACACGCCCGAAGACCTCCTGGCAG-3'

ClinVar aggregate classification (germline): Conflicting classifications of pathogenicity. Review status: criteria provided, conflicting classifications (1 of 4 stars). 4 submissions from 4 submitters: Uncertain significance (1); Benign (1); Likely benign (1). 1 of the submissions does not count toward it. Last evaluated 2025-09-20.

Conditions:
SYNE1-related disorder. Also called: SYNE1-related disease; SYNE1-related condition; SYNE1-related disorders.
Autosomal recessive ataxia, Beauce type. Also called: Spinocerebellar ataxia, autosomal recessive 8; ATAXIA, RECESSIVE, OF BEAUCE; SYNE1-Related Autosomal Recessive Cerebellar Ataxia; SYNE1 Deficiency. Identifiers: Orphanet 88644, MedGen C1853116, MONDO:0012549, OMIM 610743.
Emery-Dreifuss muscular dystrophy 4, autosomal dominant (EDMD4). Also called: EMERY-DREIFUSS MUSCULAR DYSTROPHY 4 WITH VARIABLE FEATURES. Identifiers: Orphanet 261, MedGen C2751807, MONDO:0013071, OMIM 612998.

Allele frequency attached by ClinVar (database versions not stated): gnomAD exomes 0.00011 and 0.00047; gnomAD 0.00019 and 0.00028; TOPMed 0.00029; ExAC 0.00045; 1000 Genomes Project 0.00140; 1000 Genomes Project 30x 0.00141.
gnomAD v4.1: 204 of 1,614,192 alleles (0.013%); highest among the groups gnomAD compares: East Asian, 0.4%; 3 homozygotes.

Submissions (4):

Labcorp Genetics (formerly Invitae), Labcorp
Classification: Benign for Emery-Dreifuss muscular dystrophy 4, autosomal dominant; Autosomal recessive ataxia, Beauce type. Last evaluated: 2025-09-20. Review status: criteria provided, single submitter. Criteria: Invitae Variant Classification Sherloc (09022015). Collection method: clinical testing. Allele origin: germline.

Revvity Omics, Revvity
Classification: Uncertain significance. Last evaluated: 2023-10-20. Review status: criteria provided, single submitter. Criteria: ACMG Guidelines, 2015. Collection method: clinical testing. Allele origin: germline.

Eurofins Ntd Llc (ga)
Classification: Likely benign. Last evaluated: 2015-10-16. Review status: criteria provided, single submitter. Criteria: EGL Classification Definitions 2015. Collection method: clinical testing. Allele origin: germline. Observed: 1 variant allele, 1 heterozygote.

PreventionGenetics, part of Exact Sciences
Classification: Likely benign for SYNE1-related condition. Last evaluated: 2019-04-01. Review status: no assertion criteria provided. Collection method: clinical testing. Allele origin: germline. Not counted in ClinVar's aggregate classification.
Comment: This variant is classified as likely benign based on ACMG/AMP sequence variant interpretation guidelines (Richards et al. 2015 PMID: 25741868, with internal and published modifications).